The following is an entry in ClinVar:

NM_201253.3(CRB1):c.2103C>G (p.Pro701=)

Gene: CRB1 (crumbs cell polarity complex component 1; plus strand). Cytogenetic location: 1q31.3.
Variant type: single nucleotide variant.
Coding change: c.2103C>G on transcript NM_201253.3 (MANE Select); coding-DNA position 2103, C replaced by G.
Protein change: p.Pro701=; no amino-acid change (proline 701 retained).
Molecular consequence: synonymous variant. On other transcripts: non-coding transcript variant (2).
Genome position (GRCh38, 1-based): chr1:197,421,931, C>G. VCF-style: chr1-197421931-C-G. GRCh37 (hg19) VCF-style: chr1-197391061-C-G.
Other names: c.1767C>G, p.Pro589= (NM_001193640.2); c.1896C>G, p.Pro632= (NM_001257965.2); c.2103C>G, p.Pro701= (NM_001257966.2).
Identifiers: ClinVar variation 289997 (VCV000289997.65), dbSNP rs144436610, ClinGen allele CA1312032.

ClinVar aggregate classification (germline): Conflicting classifications of pathogenicity. Review status: criteria provided, conflicting classifications (1 of 4 stars). 10 submissions from 8 submitters: Uncertain significance (3); Benign (1); Likely benign (5). 1 of the submissions does not count toward it. Last evaluated 2026-01-25.

Conditions:
Retinitis pigmentosa 12 (RP12). Also called: RP WITH OR WITHOUT PRESERVED PARAARTERIOLE RETINAL PIGMENT EPITHELIUM; RETINITIS PIGMENTOSA WITH OR WITHOUT PARAARTERIOLAR PRESERVATION OF RETINAL PIGMENT EPITHELIUM; RP WITH OR WITHOUT PPRPE. Identifiers: Orphanet 791, MedGen C1838647, MONDO:0010818, OMIM 600105.
Leber congenital amaurosis 8 (LCA8). Identifiers: Orphanet 65, MedGen C3151202, MONDO:0013453, OMIM 613835.
Retinitis pigmentosa (RP). Identifiers: Orphanet 791, MedGen C0035334, MeSH D012174, MONDO:0019200, OMIM 268000. Inheritance: Autosomal dominant, autosomal recessive and X linked inheritance.
Leber congenital amaurosis (LCA). Also called: Leber's amaurosis. Identifiers: Orphanet 65, MedGen C0339527, MeSH D057130, MONDO:0018998.
Pigmented paravenous retinochoroidal atrophy. Identifiers: Orphanet 251295, MedGen C1868310, MONDO:0008246, OMIM 172870.

Allele frequency attached by ClinVar (database versions not stated): 1000 Genomes Project 0.00020; 1000 Genomes Project 30x 0.00031; gnomAD 0.00100 and 0.00104; TOPMed 0.00102; ExAC 0.00110; gnomAD exomes 0.00111 and 0.00167; ESP Exome Variant Server 0.00192.
gnomAD v4.1: 2,583 of 1,614,096 alleles (0.16%); highest among the groups gnomAD compares: Non-Finnish European, 0.19%; 6 homozygotes.

Submissions (10):

Labcorp Genetics (formerly Invitae), Labcorp
Classification: Likely benign for Leber congenital amaurosis 8; Retinitis pigmentosa 12. Last evaluated: 2026-01-25. Review status: criteria provided, single submitter. Criteria: Invitae Variant Classification Sherloc (09022015). Collection method: clinical testing. Allele origin: germline.

CeGaT Center for Human Genetics Tuebingen
Classification: Likely benign. Last evaluated: 2025-04-01. Review status: criteria provided, single submitter. Criteria: CeGaT Center For Human Genetics Tuebingen Variant Classification Criteria Version 2. Collection method: clinical testing. Allele origin: germline. Affected: yes. Observed: 3 variant alleles.
Comment: CRB1: BP4, BP7

Blueprint Genetics
Classification: Likely benign. Last evaluated: 2024-11-11. Review status: criteria provided, single submitter. Criteria: ACMG Guidelines, 2015. Collection method: clinical testing. Allele origin: germline.

ARUP Laboratories, Molecular Genetics and Genomics, ARUP Laboratories
Classification: Likely benign. Last evaluated: 2023-09-28. Review status: criteria provided, single submitter. Criteria: ARUP Molecular Germline Variant Investigation Process 2024. Collection method: clinical testing. Allele origin: germline.

Genome-Nilou Lab
Classification: Likely benign for Leber congenital amaurosis 8. Last evaluated: 2021-05-18. Review status: criteria provided, single submitter. Criteria: ACMG Guidelines, 2015. Collection method: clinical testing. Allele origin: germline. Affected: no.

Illumina Laboratory Services, Illumina
Classification: Uncertain significance for Leber congenital amaurosis 8. Last evaluated: 2018-01-13. Review status: criteria provided, single submitter. Criteria: ICSL Variant Classification Criteria 13 December 2019. Collection method: clinical testing. Allele origin: germline.

Illumina Laboratory Services, Illumina
Classification: Benign for Pigmented paravenous retinochoroidal atrophy. Last evaluated: 2018-01-13. Review status: criteria provided, single submitter. Criteria: ICSL Variant Classification Criteria 13 December 2019. Collection method: clinical testing. Allele origin: germline.
Comment: This variant was observed in the ICSL laboratory as part of a predisposition screen in an ostensibly healthy population. It had not been previously curated by ICSL or reported in the Human Gene Mutation Database (HGMD: prior to June 1st, 2018), and was therefore a candidate for classification through an automated scoring system. Utilizing variant allele frequency, disease prevalence and penetrance estimates, and inheritance mode, an automated score was calculated to assess if this variant is too frequent to cause the disease. Based on the score and internal cut-off values, a variant classified as benign is not then subjected to further curation. The score for this variant resulted in a classification of benign for this disease.

Illumina Laboratory Services, Illumina
Classification: Uncertain significance for Retinitis pigmentosa. Last evaluated: 2018-01-13. Review status: criteria provided, single submitter. Criteria: ICSL Variant Classification Criteria 13 December 2019. Collection method: clinical testing. Allele origin: germline.

Eurofins Ntd Llc (ga)
Classification: Uncertain significance. Last evaluated: 2016-09-08. Review status: criteria provided, single submitter. Criteria: EGL Classification Definitions 2015. Collection method: clinical testing. Allele origin: germline. Observed: 1 variant allele, 1 heterozygote.

Natera, Inc.
Classification: Benign for Leber congenital amaurosis. Last evaluated: 2019-10-22. Review status: no assertion criteria provided. Collection method: clinical testing. Allele origin: germline. Not counted in ClinVar's aggregate classification.